The following is an entry in ClinVar:

NC_000011.10:g.47349939G>A

Gene: MYBPC3 (myosin binding protein C3; minus strand). Cytogenetic location: 11p11.2.
Variant type: single nucleotide variant.
Genome position: GRCh38 VCF-style: chr11-47349939-G-A. GRCh37 (hg19) VCF-style: chr11-47371490-G-A.
Other names: c.506-17C>T (NM_000256.3, LRG_386t1).
Identifiers: ClinVar variation 138321 (VCV000138321.15), dbSNP rs561595897, ClinGen allele CA015327.
Genomic context (GRCh38, chr11:47,349,939, plus strand): 5'-GAGGCTGGCGCCGGCCACGCGGGCTGAGAAGGTGATGCTGCCACCTGCAAAGGCAGGGGC[G>A]ACAGGCCCGGCTTGGGGAGTGTCCTGCTGCCCCCCCTTCCCACCCCAATGCTGGGCACAG-3'

ClinVar aggregate classification (germline): Benign/Likely benign. Review status: criteria provided, multiple submitters, no conflicts (2 of 4 stars). 8 submissions from 8 submitters: Benign (3); Likely benign (3). 2 of the submissions do not count toward it. Last evaluated 2026-02-03.

Conditions:
Hypertrophic cardiomyopathy 4. Also called: Familial hypertrophic cardiomyopathy 4. Identifiers: MedGen C1861862, MONDO:0007268, OMIM 115197.
Hypertrophic cardiomyopathy. Also called: HYPERTROPHIC MYOCARDIOPATHY. Identifiers: Orphanet 217569, MedGen C0007194, MeSH D002312, MONDO:0005045, HP:0001639.

Allele frequency attached by ClinVar (database versions not stated): TOPMed 0.00011; gnomAD 0.00016.
gnomAD v4.1: 256 of 1,582,388 alleles (0.016%); highest among the groups gnomAD compares: Middle Eastern, 0.084%; no homozygotes.

Submissions (8):

Labcorp Genetics (formerly Invitae), Labcorp
Classification: Likely benign for Hypertrophic cardiomyopathy. Last evaluated: 2026-02-03. Review status: criteria provided, single submitter. Criteria: Invitae Variant Classification Sherloc (09022015). Collection method: clinical testing. Allele origin: germline.

Women's Health and Genetics/Laboratory Corporation of America, LabCorp
Classification: Benign. Last evaluated: 2025-01-08. Review status: criteria provided, single submitter. Criteria: LabCorp Variant Classification Summary - May 2015. Collection method: clinical testing. Allele origin: germline.
Comment: Variant summary: MYBPC3 c.506-17C>T alters a non-conserved nucleotide located at a position not widely known to affect splicing. Consensus agreement among computation tools predict no significant impact on normal splicing. However, these predictions have yet to be confirmed by functional studies. The variant allele was found at a frequency of 0.00016 in 1582388 control chromosomes, predominantly at a frequency of 0.0013 within the Non-Finnish European subpopulation in the gnomAD database. The observed variant frequency within Non-Finnish European control individuals in the gnomAD database is approximately 1.3 fold of the estimated maximal expected allele frequency for a pathogenic variant in MYBPC3 causing Hypertrophic Cardiomyopathy phenotype (0.001). To our knowledge, no occurrence of c.506-17C>T in individuals affected with Hypertrophic Cardiomyopathy and no experimental evidence demonstrating its impact on protein function have been reported. ClinVar contains an entry for this variant (Variation ID: 138321). Based on the evidence outlined above, the variant was classified as benign.

Blueprint Genetics
Classification: Likely benign. Last evaluated: 2024-06-10. Review status: criteria provided, single submitter. Criteria: ACMG Guidelines, 2015. Collection method: clinical testing. Allele origin: germline.

Clinical Genetics DNA and cytogenetics Diagnostics Lab, Erasmus MC, Erasmus Medical Center
Classification: Benign for Hypertrophic cardiomyopathy 4. Last evaluated: 2015-09-21. Review status: criteria provided, single submitter. Criteria: ACGS Guidelines, 2013. Collection method: clinical testing. Allele origin: germline. Affected: yes. Study: VKGL Data-share Consensus.

GeneDx
Classification: Benign. Last evaluated: 2014-03-15. Review status: criteria provided, single submitter. Criteria: GeneDx Variant Classification (06012015). Collection method: clinical testing. Allele origin: germline. Affected: yes.
Comment: This variant is considered likely benign or benign based on one or more of the following criteria: it is a conservative change, it occurs at a poorly conserved position in the protein, it is predicted to be benign by multiple in silico algorithms, and/or has population frequency not consistent with disease.

Breakthrough Genomics
Classification: Likely benign. Review status: criteria provided, single submitter. Criteria: ACMG Guidelines, 2015. Collection method: not provided. Allele origin: germline. Inheritance: Autosomal dominant inheritance. Affected: yes.

Diagnostic Laboratory, Department of Genetics, University Medical Center Groningen
Classification: Likely benign for Hypertrophic cardiomyopathy 4. Review status: no assertion criteria provided. Collection method: clinical testing. Allele origin: germline. Affected: yes. Study: VKGL Data-share Consensus. Not counted in ClinVar's aggregate classification.

Joint Genome Diagnostic Labs from Nijmegen and Maastricht, Radboudumc and MUMC+
Classification: Likely benign. Review status: no assertion criteria provided. Collection method: clinical testing. Allele origin: germline. Affected: yes. Study: VKGL Data-share Consensus. Not counted in ClinVar's aggregate classification.